The following is an entry in ClinVar:

NM_021625.5(TRPV4):c.1879G>C (p.Gly627Arg)

Gene: TRPV4 (transient receptor potential cation channel subfamily V member 4; minus strand). Cytogenetic location: 12q24.11.
Variant type: single nucleotide variant.
Coding change: c.1879G>C on transcript NM_021625.5 (MANE Select); coding-DNA position 1879, G replaced by C.
Protein change: p.Gly627Arg; replaces glycine 627 with arginine.
Molecular consequence: missense variant.
Genome position (GRCh38, 1-based): chr12:109,792,375, C>G on the plus strand (G>C on the coding strand, the complement: TRPV4 is on the minus strand). VCF-style: chr12-109792375-C-G. GRCh37 (hg19) VCF-style: chr12-110230180-C-G.
Other names: c.1738G>C, p.Gly580Arg (NM_001177428.2); c.1777G>C, p.Gly593Arg (NM_001177431.2); c.1558G>C, p.Gly520Arg (NM_001177433.2); c.1699G>C, p.Gly567Arg (NM_147204.3); short protein forms G520R, G567R, G580R, G593R, G627R.
Identifiers: ClinVar variation 3390473 (VCV003390473.2).
Genomic context (GRCh38, chr12:109,792,375, plus strand): 5'-CGTCCTTGCACCACCCCTGCCAGGACCACCTGAGCACCCAGAGCTCACCTGAAGCGTAGC[C>G]GATCATGAAGAGCAAGTAGACGAGCAGGAATCGGAAAAGGTCCTTGAAGAGAATCTAAAG-3'
Protein context (NP_067638.3, residues 617-637): FLLVYLLFMI[Gly627Arg]YASALVSLLN

ClinVar aggregate classification (germline): Uncertain significance. Review status: criteria provided, multiple submitters, no conflicts (2 of 4 stars). 2 submissions from 2 submitters: Uncertain significance (2). Last evaluated 2025-01-29.

Submissions (2):

Athena Diagnostics
Classification: Uncertain significance. Last evaluated: 2025-01-29. Review status: criteria provided, single submitter. Criteria: Athena Diagnostics Criteria. Collection method: clinical testing. Allele origin: unknown.
Comment: Available data are insufficient to determine the clinical significance of the variant at this time. This variant has not been reported in large, multi-ethnic general populations. Polyphen and MutationTaster predict this amino acid change may be damaging to the protein.

GeneDx
Classification: Uncertain significance. Last evaluated: 2024-06-11. Review status: criteria provided, single submitter. Criteria: GeneDx Variant Classification Process June 2021. Collection method: clinical testing. Allele origin: germline. Affected: yes.
Comment: Not observed at significant frequency in large population cohorts (gnomAD); In silico analysis supports that this missense variant has a deleterious effect on protein structure/function; Has not been previously published as pathogenic or benign to our knowledge